The following is an entry in ClinVar:

ClinVar aggregate classification (germline): Uncertain significance (1 of 4 stars; one submission).

Conditions:
Oligodontia-cancer predisposition syndrome. Also called: TOOTH AGENESIS-COLORECTAL CANCER SYNDROME. Identifiers: Orphanet 300576, MedGen C1837750, MONDO:0012075, OMIM 608615. Disease mechanism: loss of function.

Submission:

Labcorp Genetics (formerly Invitae), Labcorp
Classification: Uncertain significance for Oligodontia-cancer predisposition syndrome. Last evaluated: 2022-03-08. Review status: criteria provided, single submitter. Criteria: Invitae Variant Classification Sherloc (09022015). Collection method: clinical testing. Allele origin: germline.
Comment: Algorithms developed to predict the effect of missense changes on protein structure and function are either unavailable or do not agree on the potential impact of this missense change (SIFT: "Tolerated"; PolyPhen-2: "Possibly Damaging"; Align-GVGD: "Class C0"). In summary, the available evidence is currently insufficient to determine the role of this variant in disease. Therefore, it has been classified as a Variant of Uncertain Significance. ClinVar contains an entry for this variant (Variation ID: 947177). This variant has not been reported in the literature in individuals affected with AXIN2-related conditions. This variant is not present in population databases (gnomAD no frequency). This sequence change replaces lysine, which is basic and polar, with asparagine, which is neutral and polar, at codon 275 of the AXIN2 protein (p.Lys275Asn).

NM_004655.4(AXIN2):c.825G>T (p.Lys275Asn)

Gene: AXIN2 (axin 2; minus strand). Cytogenetic location: 17q24.1.
Variant type: single nucleotide variant.
Coding change: c.825G>T on transcript NM_004655.4 (MANE Select); coding-DNA position 825, G replaced by T.
Protein change: p.Lys275Asn; replaces lysine 275 with asparagine.
Molecular consequence: missense variant.
Genome position (GRCh38, 1-based): chr17:65,549,651, C>A on the plus strand (G>T on the coding strand, the complement: AXIN2 is on the minus strand). VCF-style: chr17-65549651-C-A. GRCh37 (hg19) VCF-style: chr17-63545769-C-A.
Other names: c.825G>T, p.Lys275Asn (NM_001363813.1); short protein forms K275N.
Identifiers: ClinVar variation 947177 (VCV000947177.9), dbSNP rs2044165087, ClinGen allele CA400679694.